The following is an entry in ClinVar:

ClinVar aggregate classification (germline): Benign. Review status: criteria provided, single submitter (1 of 4 stars). 2 submissions from 2 submitters: Benign (1). 1 of the submissions does not count toward it. Last evaluated 2025-12-27.

Conditions:
PRDX1-related disorder. Also called: PRDX1-related condition.

Allele frequency attached by ClinVar (database versions not stated): gnomAD 0.00004 and 0.00015; TOPMed 0.00007; ESP Exome Variant Server 0.00008; gnomAD exomes 0.00044; ExAC 0.00052; 1000 Genomes Project 0.00100; 1000 Genomes Project 30x 0.00109.
gnomAD v4.1: 372 of 1,614,220 alleles (0.023%); highest among the groups gnomAD compares: South Asian, 0.27%; 4 homozygotes.

Submissions (2):

Labcorp Genetics (formerly Invitae), Labcorp
Classification: Benign. Last evaluated: 2025-12-27. Review status: criteria provided, single submitter. Criteria: Invitae Variant Classification Sherloc (09022015). Collection method: clinical testing. Allele origin: germline.

PreventionGenetics, part of Exact Sciences
Classification: Likely benign for PRDX1-related condition. Last evaluated: 2019-04-01. Review status: no assertion criteria provided. Collection method: clinical testing. Allele origin: germline. Not counted in ClinVar's aggregate classification.
Comment: This variant is classified as likely benign based on ACMG/AMP sequence variant interpretation guidelines (Richards et al. 2015 PMID: 25741868, with internal and published modifications).

NM_181697.3(PRDX1):c.289C>T (p.Leu97=)

Gene: PRDX1 (peroxiredoxin 1; minus strand). Cytogenetic location: 1p34.1.
Variant type: single nucleotide variant.
Coding change: c.289C>T on transcript NM_181697.3 (MANE Select); coding-DNA position 289, C replaced by T.
Protein change: p.Leu97=; no amino-acid change (leucine 97 retained).
Molecular consequence: synonymous variant.
Genome position (GRCh38, 1-based): chr1:45,514,967, G>A on the plus strand (C>T on the coding strand, the complement: PRDX1 is on the minus strand). VCF-style: chr1-45514967-G-A. GRCh37 (hg19) VCF-style: chr1-45980639-G-A.
Other names: c.289C>T, p.Leu97= (NM_001202431.2, NM_002574.4, NM_181696.3); c.289C>T (NM_002574.3).
Identifiers: ClinVar variation 1552209 (VCV001552209.10), dbSNP rs144310103, ClinGen allele CA828017.